The following is an entry in ClinVar:

NM_001563.4(IMPG1):c.883G>A (p.Asp295Asn)

Gene: IMPG1 (interphotoreceptor matrix proteoglycan 1; minus strand). Cytogenetic location: 6q14.1.
Variant type: single nucleotide variant.
Coding change: c.883G>A on transcript NM_001563.4 (MANE Select); coding-DNA position 883, G replaced by A.
Protein change: p.Asp295Asn; replaces aspartic acid 295 with asparagine.
Molecular consequence: missense variant.
Genome position (GRCh38, 1-based): chr6:76,007,484, C>T on the plus strand (G>A on the coding strand, the complement: IMPG1 is on the minus strand). VCF-style: chr6-76007484-C-T. GRCh37 (hg19) VCF-style: chr6-76717201-C-T.
Other names: c.649G>A, p.Asp217Asn (NM_001282368.2); c.883G>A (NM_001563.2); short protein forms D217N, D295N.
Identifiers: ClinVar variation 2044154 (VCV002044154.6), dbSNP rs747826132, ClinGen allele CA3898288.

ClinVar aggregate classification (germline): Uncertain significance. Review status: criteria provided, multiple submitters, no conflicts (2 of 4 stars). 3 submissions from 3 submitters: Uncertain significance (3). Last evaluated 2025-09-14.

Allele frequency attached by ClinVar (database versions not stated): ExAC 0.00014.

Submissions (3):

Labcorp Genetics (formerly Invitae), Labcorp
Classification: Uncertain significance. Last evaluated: 2025-09-14. Review status: criteria provided, single submitter. Criteria: Invitae Variant Classification Sherloc (09022015). Collection method: clinical testing. Allele origin: germline.
Comment: This sequence change replaces aspartic acid, which is acidic and polar, with asparagine, which is neutral and polar, at codon 295 of the IMPG1 protein (p.Asp295Asn). This variant is present in population databases (rs747826132, gnomAD 0.08%). This variant has not been reported in the literature in individuals affected with IMPG1-related conditions. ClinVar contains an entry for this variant (Variation ID: 2044154). An algorithm developed to predict the effect of missense changes on protein structure and function (PolyPhen-2) suggests that this variant is likely to be disruptive. In summary, the available evidence is currently insufficient to determine the role of this variant in disease. Therefore, it has been classified as a Variant of Uncertain Significance.

Blueprint Genetics
Classification: Uncertain significance. Last evaluated: 2024-10-25. Review status: criteria provided, single submitter. Criteria: ACMG Guidelines, 2015. Collection method: clinical testing. Allele origin: germline.

Ambry Genetics
Classification: Uncertain significance. Last evaluated: 2024-06-25. Review status: criteria provided, single submitter. Criteria: Ambry Variant Classification Scheme 2023. Collection method: clinical testing. Allele origin: germline.